The following is an entry in ClinVar:

ClinVar aggregate classification (germline): Uncertain significance (1 of 4 stars; one submission).

Conditions:
Cardiovascular phenotype. Identifiers: MedGen CN230736.

Submission:

Ambry Genetics
Classification: Uncertain significance for Cardiovascular phenotype. Last evaluated: 2026-03-07. Review status: criteria provided, single submitter. Criteria: Ambry Variant Classification Scheme 2023. Collection method: clinical testing. Allele origin: germline.
Comment: The p.Y1194H variant (also known as c.3580T>C), located in coding exon 50 of the COL1A2 gene, results from a T to C substitution at nucleotide position 3580. The tyrosine at codon 1194 is replaced by histidine, an amino acid with similar properties. This amino acid position is conserved. In addition, the in silico prediction for this alteration is inconclusive. Based on the available evidence, the clinical significance of this variant remains unclear.

NM_000089.4(COL1A2):c.3580T>C (p.Tyr1194His)

Gene: COL1A2 (collagen type I alpha 2 chain; plus strand). Cytogenetic location: 7q21.3.
Variant type: single nucleotide variant.
Coding change: c.3580T>C on transcript NM_000089.4 (MANE Select); coding-DNA position 3580, T replaced by C.
Protein change: p.Tyr1194His; replaces tyrosine 1194 with histidine.
Molecular consequence: missense variant.
Genome position (GRCh38, 1-based): chr7:94,428,346, T>C. VCF-style: chr7-94428346-T-C. GRCh37 (hg19) VCF-style: chr7-94057658-T-C.
Other names: short protein forms Y1194H.
Identifiers: ClinVar variation 4833026 (VCV004833026.1).
Genomic context (GRCh38, chr7:94,428,346, plus strand): 5'-TTAAAAGGTTACTACTGGATTGACCCTAACCAAGGATGCACTATGGATGCTATCAAAGTA[T>C]ACTGTGATTTCTCTACTGGCGAAACCTGTATCCGGGCCCAACCTGAAAACATCCCAGCCA-3'
Protein context (NP_000080.2, residues 1184-1204): QGCTMDAIKV[Tyr1194His]CDFSTGETCI